The following is an entry in ClinVar:

ClinVar aggregate classification (germline): Likely benign. Review status: reviewed by expert panel (3 of 4 stars). 2 submissions from 2 submitters: Likely benign (1). 1 of the submissions does not count toward it. Last evaluated 2026-05-04.

Conditions:
Inborn genetic diseases. Identifiers: MedGen C0950123, MeSH D030342.
Hereditary thrombocytopenia and hematologic cancer predisposition syndrome. Identifiers: Orphanet 71290, MedGen CN281654, MONDO:0011071.

Submissions (2):

ClinGen Myeloid Malignancy Variant Curation Expert Panel
Classification: Likely benign for Hereditary thrombocytopenia and hematologic cancer predisposition syndrome. Last evaluated: 2026-05-04. Review status: reviewed by expert panel. Criteria: ClinGen MyeloMalig ACMG Specifications V3.1. Collection method: curation. Allele origin: germline. Inheritance: Autosomal dominant inheritance.
Comment: NM_001754.5(RUNX1):c.195T>C (p.Ala65=) is a synonymous variant which has a SpliceAI score ≤ 0.20 (0.01) (BP4, BP7). This variant is completely absent from all population databases with at least 20x coverage for RUNX1 (PM2_supporting). In summary, this variant meets criteria to be classified as likely benign. ACMG/AMP criteria applied, as specified by the Myeloid Malignancy Variant Curation Expert Panel for RUNX1: BP4, BP7, PM2_supporting.

Ambry Genetics
Classification: Likely benign for Inborn genetic diseases. Last evaluated: 2025-02-02. Review status: criteria provided, single submitter. Criteria: Ambry Variant Classification Scheme 2023. Collection method: clinical testing. Allele origin: germline. Not counted in ClinVar's aggregate classification.

NM_001754.5(RUNX1):c.195T>C (p.Ala65=)

Gene: RUNX1 (RUNX family transcription factor 1; minus strand). Cytogenetic location: 21q22.12.
Variant type: single nucleotide variant.
Coding change: c.195T>C on transcript NM_001754.5 (MANE Select); coding-DNA position 195, T replaced by C.
Protein change: p.Ala65=; no amino-acid change (alanine 65 retained).
Molecular consequence: synonymous variant.
Genome position (GRCh38, 1-based): chr21:34,886,999, A>G on the plus strand (T>C on the coding strand, the complement: RUNX1 is on the minus strand). VCF-style: chr21-34886999-A-G. GRCh37 (hg19) VCF-style: chr21-36259296-A-G.
Other names: NM_001754.5(RUNX1):c.195T>C; p.Ala65=; c.114T>C, p.Ala38= (NM_001001890.3, NM_001122607.2).
Identifiers: ClinVar variation 3791497 (VCV003791497.3).